The following is an entry in ClinVar:

ClinVar aggregate classification (germline): Uncertain significance (1 of 4 stars; one submission).

gnomAD v4.1: 2 of 1,613,462 alleles (0.00012%); highest among the groups gnomAD compares: Non-Finnish European, 0.00017%; no homozygotes.

Submission:

Labcorp Genetics (formerly Invitae), Labcorp
Classification: Uncertain significance. Last evaluated: 2024-06-30. Review status: criteria provided, single submitter. Criteria: Invitae Variant Classification Sherloc (09022015). Collection method: clinical testing. Allele origin: germline.
Comment: This sequence change replaces valine, which is neutral and non-polar, with alanine, which is neutral and non-polar, at codon 451 of the FZD4 protein (p.Val451Ala). This variant is not present in population databases (gnomAD no frequency). This variant has not been reported in the literature in individuals affected with FZD4-related conditions. Advanced modeling of protein sequence and biophysical properties (such as structural, functional, and spatial information, amino acid conservation, physicochemical variation, residue mobility, and thermodynamic stability) performed at Invitae indicates that this missense variant is not expected to disrupt FZD4 protein function with a negative predictive value of 80%. In summary, the available evidence is currently insufficient to determine the role of this variant in disease. Therefore, it has been classified as a Variant of Uncertain Significance.

NM_012193.4(FZD4):c.1352T>C (p.Val451Ala)

Genes: FZD4 (frizzled class receptor 4; minus strand), PRSS23 (serine protease 23; plus strand). Cytogenetic location: 11q14.2.
Variant type: single nucleotide variant.
Coding change: c.1352T>C on transcript NM_012193.4 (MANE Select); coding-DNA position 1352, T replaced by C.
Protein change: p.Val451Ala; replaces valine 451 with alanine.
Molecular consequence: missense variant. On other transcripts: non-coding transcript variant (2).
Genome position (GRCh38, 1-based): chr11:86,951,404, A>G on the plus strand (T>C on the coding strand, the complement: FZD4 is on the minus strand). VCF-style: chr11-86951404-A-G. GRCh37 (hg19) VCF-style: chr11-86662446-A-G.
Other names: short protein forms V451A.
Identifiers: ClinVar variation 3701576 (VCV003701576.2).